The following is an entry in ClinVar:

NM_001184.4(ATR):c.3945+3A>G

Gene: ATR (ATR checkpoint kinase; minus strand). Cytogenetic location: 3q23.
Variant type: single nucleotide variant.
Coding change: c.3945+3A>G on transcript NM_001184.4 (MANE Select); 3 bases into the intron after coding-DNA position 3945, A replaced by G.
Molecular consequence: intron variant.
Genome position (GRCh38, 1-based): chr3:142,535,077, T>C on the plus strand (A>G on the coding strand, the complement: ATR is on the minus strand). VCF-style: chr3-142535077-T-C. GRCh37 (hg19) VCF-style: chr3-142253919-T-C.
Other names: c.3753+3A>G (NM_001354579.2).
Identifiers: ClinVar variation 2195023 (VCV002195023.2), dbSNP rs376415027, ClinGen allele CA2649963.

ClinVar aggregate classification (germline): Uncertain significance (1 of 4 stars; one submission).

Allele frequency attached by ClinVar (database versions not stated): gnomAD exomes below 0.00001; ExAC 0.00002; TOPMed 0.00006; gnomAD 0.00007; ESP Exome Variant Server 0.00015.
gnomAD v4.1: 15 of 1,610,528 alleles (0.00093%); highest among the groups gnomAD compares: African/African-American, 0.017%; no homozygotes.

Submission:

Labcorp Genetics (formerly Invitae), Labcorp
Classification: Uncertain significance. Last evaluated: 2022-03-16. Review status: criteria provided, single submitter. Criteria: Invitae Variant Classification Sherloc (09022015). Collection method: clinical testing. Allele origin: germline.
Comment: In summary, the available evidence is currently insufficient to determine the role of this variant in disease. Therefore, it has been classified as a Variant of Uncertain Significance. Variants that disrupt the consensus splice site are a relatively common cause of aberrant splicing (PMID: 17576681, 9536098). Algorithms developed to predict the effect of sequence changes on RNA splicing suggest that this variant may create or strengthen a splice site. This variant has not been reported in the literature in individuals affected with ATR-related conditions. This variant is present in population databases (rs376415027, gnomAD 0.01%). This sequence change falls in intron 21 of the ATR gene. It does not directly change the encoded amino acid sequence of the ATR protein. It affects a nucleotide within the consensus splice site.

Literature cited by the submitters: PubMed 17576681; PubMed 9536098.